The following is an entry in ClinVar:

ClinVar aggregate classification (germline): Benign/Likely benign. Review status: criteria provided, multiple submitters, no conflicts (2 of 4 stars). 3 submissions from 3 submitters: Benign (1); Likely benign (1). 1 of the submissions does not count toward it. Last evaluated 2026-01-26.

Conditions:
Combined malonic and methylmalonic acidemia. Identifiers: Orphanet 289504, MedGen C3280314, MONDO:0013661, OMIM 614265.

Allele frequency attached by ClinVar (database versions not stated): TOPMed 0.00012; gnomAD 0.00015 and 0.00021; gnomAD exomes 0.00026 and 0.00031; ExAC 0.00045; 1000 Genomes Project 0.00060; 1000 Genomes Project 30x 0.00062.
gnomAD v4.1: 401 of 1,613,638 alleles (0.025%); highest among the groups gnomAD compares: East Asian, 0.87%; 3 homozygotes.

Submissions (3):

Labcorp Genetics (formerly Invitae), Labcorp
Classification: Benign for Combined malonic and methylmalonic acidemia. Last evaluated: 2026-01-26. Review status: criteria provided, single submitter. Criteria: Invitae Variant Classification Sherloc (09022015). Collection method: clinical testing. Allele origin: germline.

GeneDx
Classification: Likely benign. Last evaluated: 2018-04-17. Review status: criteria provided, single submitter. Criteria: GeneDx Variant Classification (06012015). Collection method: clinical testing. Allele origin: germline. Affected: yes.
Comment: This variant is considered likely benign or benign based on one or more of the following criteria: it is a conservative change, it occurs at a poorly conserved position in the protein, it is predicted to be benign by multiple in silico algorithms, and/or has population frequency not consistent with disease.

Natera, Inc.
Classification: Likely benign for Combined malonic and methylmalonic aciduria. Last evaluated: 2019-12-25. Review status: no assertion criteria provided. Collection method: clinical testing. Allele origin: germline. Not counted in ClinVar's aggregate classification.

NM_001243279.3(ACSF3):c.285G>A (p.Glu95=)

Gene: ACSF3 (acyl-CoA synthetase family member 3; plus strand). Cytogenetic location: 16q24.3.
Variant type: single nucleotide variant.
Coding change: c.285G>A on transcript NM_001243279.3 (MANE Select); coding-DNA position 285, G replaced by A.
Protein change: p.Glu95=; no amino-acid change (glutamic acid 95 retained).
Molecular consequence: synonymous variant. On other transcripts: non-coding transcript variant (3), intron variant (1).
Genome position (GRCh38, 1-based): chr16:89,100,966, G>A. VCF-style: chr16-89100966-G-A. GRCh37 (hg19) VCF-style: chr16-89167374-G-A.
Other names: c.285G>A, p.Glu95= (NM_001127214.4, NM_174917.5); c.-129-1638G>A (NM_001284316.2).
Identifiers: ClinVar variation 681463 (VCV000681463.13), dbSNP rs187962814, ClinGen allele CA8237603.